The following is an entry in ClinVar:

ClinVar aggregate classification (germline): Uncertain significance. Review status: criteria provided, multiple submitters, no conflicts (2 of 4 stars). 2 submissions from 2 submitters: Uncertain significance (2). Last evaluated 2024-02-25.

Conditions:
Hereditary cancer-predisposing syndrome. Also called: Hereditary Cancer Syndrome; Tumor predisposition; Hereditary neoplastic syndrome; Neoplastic Syndromes, Hereditary. Identifiers: Orphanet 140162, MedGen C0027672, MeSH D009386, MONDO:0015356.
Oligodontia-cancer predisposition syndrome. Also called: TOOTH AGENESIS-COLORECTAL CANCER SYNDROME. Identifiers: Orphanet 300576, MedGen C1837750, MONDO:0012075, OMIM 608615. Disease mechanism: loss of function.

Submissions (2):

Ambry Genetics
Classification: Uncertain significance for Hereditary cancer-predisposing syndrome. Last evaluated: 2024-02-25. Review status: criteria provided, single submitter. Criteria: Ambry Variant Classification Scheme 2023. Collection method: clinical testing. Allele origin: germline.
Comment: The p.K560Q variant (also known as c.1678A>C), located in coding exon 5 of the AXIN2 gene, results from an A to C substitution at nucleotide position 1678. The lysine at codon 560 is replaced by glutamine, an amino acid with similar properties. This amino acid position is conserved. In addition, this alteration is predicted to be tolerated by in silico analysis. Based on the available evidence, the clinical significance of this alteration remains unclear.

Labcorp Genetics (formerly Invitae), Labcorp
Classification: Uncertain significance for Oligodontia-cancer predisposition syndrome. Last evaluated: 2021-08-31. Review status: criteria provided, single submitter. Criteria: Invitae Variant Classification Sherloc (09022015). Collection method: clinical testing. Allele origin: germline.
Comment: This sequence change replaces lysine with glutamine at codon 560 of the AXIN2 protein (p.Lys560Gln). The lysine residue is moderately conserved and there is a small physicochemical difference between lysine and glutamine. This variant is not present in population databases (ExAC no frequency). This variant has not been reported in the literature in individuals affected with AXIN2-related conditions. Algorithms developed to predict the effect of missense changes on protein structure and function (SIFT, PolyPhen-2, Align-GVGD) all suggest that this variant is likely to be tolerated. In summary, the available evidence is currently insufficient to determine the role of this variant in disease. Therefore, it has been classified as a Variant of Uncertain Significance.

NM_004655.4(AXIN2):c.1678A>C (p.Lys560Gln)

Gene: AXIN2 (axin 2; minus strand). Cytogenetic location: 17q24.1.
Variant type: single nucleotide variant.
Coding change: c.1678A>C on transcript NM_004655.4 (MANE Select); coding-DNA position 1678, A replaced by C.
Protein change: p.Lys560Gln; replaces lysine 560 with glutamine.
Molecular consequence: missense variant.
Genome position (GRCh38, 1-based): chr17:65,537,358, T>G on the plus strand (A>C on the coding strand, the complement: AXIN2 is on the minus strand). VCF-style: chr17-65537358-T-G. GRCh37 (hg19) VCF-style: chr17-63533476-T-G.
Other names: c.1678A>C (LRG_296t1); c.1678A>C, p.Lys560Gln (NM_001363813.1); short protein forms K560Q.
Identifiers: ClinVar variation 645406 (VCV000645406.6), dbSNP rs1598098422, ClinGen allele CA400676856.